The following is an entry in ClinVar:

ClinVar aggregate classification (germline): Uncertain significance (1 of 4 stars; one submission).

gnomAD v4.1: 2 of 1,612,762 alleles (0.00012%); highest among the groups gnomAD compares: Non-Finnish European, 0.000085%; no homozygotes.

Submission:

GeneDx
Classification: Uncertain significance. Last evaluated: 2025-03-25. Review status: criteria provided, single submitter. Criteria: GeneDx Variant Classification Process June 2021. Collection method: clinical testing. Allele origin: germline. Affected: yes.
Comment: Not observed at significant frequency in large population cohorts (gnomAD); Missense variants in this gene are a common cause of disease and they are underrepresented in the general population; In silico analysis supports that this missense variant has a deleterious effect on protein structure/function; Has not been previously published as pathogenic or benign to our knowledge; This variant is associated with the following publications: (PMID: 23569079)

NM_001244710.2(GFPT1):c.869G>A (p.Arg290His)

Gene: GFPT1 (glutamine--fructose-6-phosphate transaminase 1; minus strand). Cytogenetic location: 2p13.3.
Variant type: single nucleotide variant.
Coding change: c.869G>A on transcript NM_001244710.2 (MANE Select); coding-DNA position 869, G replaced by A.
Protein change: p.Arg290His; replaces arginine 290 with histidine.
Molecular consequence: missense variant.
Genome position (GRCh38, 1-based): chr2:69,348,311, C>T on the plus strand (G>A on the coding strand, the complement: GFPT1 is on the minus strand). VCF-style: chr2-69348311-C-T. GRCh37 (hg19) VCF-style: chr2-69575443-C-T.
Other names: c.815G>A, p.Arg272His (NM_002056.4); short protein forms R272H, R290H.
Identifiers: ClinVar variation 4088175 (VCV004088175.1).